The following is an entry in ClinVar:

NM_000321.3(RB1):c.32C>T (p.Ala11Val)

Gene: RB1 (RB transcriptional corepressor 1; plus strand). Cytogenetic location: 13q14.2.
Variant type: single nucleotide variant.
Coding change: c.32C>T on transcript NM_000321.3 (MANE Select); coding-DNA position 32, C replaced by T.
Protein change: p.Ala11Val; replaces alanine 11 with valine.
Molecular consequence: missense variant.
Genome position (GRCh38, 1-based): chr13:48,303,944, C>T. VCF-style: chr13-48303944-C-T. GRCh37 (hg19) VCF-style: chr13-48878080-C-T.
Other names: c.32C>T, p.Ala11Val (NM_001407165.1, NM_001407166.1, NM_001407167.1); short protein forms A11V.
Identifiers: ClinVar variation 1729952 (VCV001729952.6), dbSNP rs899323337, ClinGen allele CA388250193.

ClinVar aggregate classification (germline): Uncertain significance. Review status: criteria provided, multiple submitters, no conflicts (2 of 4 stars). 2 submissions from 2 submitters: Uncertain significance (2). Last evaluated 2025-02-03.

Conditions:
Hereditary cancer-predisposing syndrome. Also called: Neoplastic Syndromes, Hereditary; Tumor predisposition; Hereditary Cancer Syndrome; Hereditary neoplastic syndrome. Identifiers: Orphanet 140162, MedGen C0027672, MeSH D009386, MONDO:0015356.
Retinoblastoma (RB1). Also called: RETINOBLASTOMA, SOMATIC. Identifiers: Orphanet 790, MedGen C0035335, MeSH D012175, MONDO:0008380, OMIM 180200, HP:0009919. Disease mechanism: loss of function. Inheritance: Both sporadic and heritable forms are tested..

Allele frequency attached by ClinVar (database versions not stated): gnomAD 0.00001.
gnomAD v4.1: 3 of 1,509,522 alleles (0.0002%); highest among the groups gnomAD compares: Admixed American, 0.0021%; no homozygotes.

Submissions (2):

Ambry Genetics
Classification: Uncertain significance for Hereditary cancer-predisposing syndrome. Last evaluated: 2025-02-03. Review status: criteria provided, single submitter. Criteria: Ambry Variant Classification Scheme 2023. Collection method: clinical testing. Allele origin: germline.
Comment: The p.A11V variant (also known as c.32C>T), located in coding exon 1 of the RB1 gene, results from a C to T substitution at nucleotide position 32. The alanine at codon 11 is replaced by valine, an amino acid with similar properties. This amino acid position is conserved. In addition, the in silico prediction for this alteration is inconclusive. Since supporting evidence is limited at this time, the clinical significance of this alteration remains unclear.

Labcorp Genetics (formerly Invitae), Labcorp
Classification: Uncertain significance for Retinoblastoma. Last evaluated: 2022-07-11. Review status: criteria provided, single submitter. Criteria: Invitae Variant Classification Sherloc (09022015). Collection method: clinical testing. Allele origin: germline.
Comment: In summary, the available evidence is currently insufficient to determine the role of this variant in disease. Therefore, it has been classified as a Variant of Uncertain Significance. Algorithms developed to predict the effect of missense changes on protein structure and function are either unavailable or do not agree on the potential impact of this missense change (SIFT: "Deleterious"; PolyPhen-2: "Not Available"; Align-GVGD: "Class C0"). This variant has not been reported in the literature in individuals affected with RB1-related conditions. This variant is not present in population databases (gnomAD no frequency). This sequence change replaces alanine, which is neutral and non-polar, with valine, which is neutral and non-polar, at codon 11 of the RB1 protein (p.Ala11Val).